The following is an entry in ClinVar:

NM_138387.4(G6PC3):c.130C>T (p.Pro44Ser)

Genes: G6PC3 (glucose-6-phosphatase catalytic subunit 3; plus strand), LOC130060959 (ATAC-STARR-seq lymphoblastoid active region 12250; plus strand). Cytogenetic location: 17q21.31.
Variant type: single nucleotide variant.
Coding change: c.130C>T on transcript NM_138387.4 (MANE Select); coding-DNA position 130, C replaced by T.
Protein change: p.Pro44Ser; replaces proline 44 with serine.
Molecular consequence: missense variant. On other transcripts: 5 prime UTR variant (3), intron variant (1).
Genome position (GRCh38, 1-based): chr17:44,071,095, C>T. VCF-style: chr17-44071095-C-T. GRCh37 (hg19) VCF-style: chr17-42148463-C-T.
Other names: NP_612396.1:p.Phe44Ser; c.130C>T, p.Pro44Ser (NM_001319945.2); c.-275C>T (NM_001384165.1); c.-410C>T (NM_001384166.1); c.-400C>T (NM_001384167.1); c.-312+381C>T (NM_001384168.1); short protein forms P44S.
Identifiers: ClinVar variation 189781 (VCV000189781.50), dbSNP rs775224457, ClinGen allele CA347173.

ClinVar aggregate classification (germline): Pathogenic. Review status: criteria provided, multiple submitters, no conflicts (2 of 4 stars). 5 submissions from 5 submitters: Pathogenic (4). 1 of the submissions does not count toward it. Last evaluated 2025-04-28.

Conditions:
Autosomal recessive severe congenital neutropenia due to G6PC3 deficiency. Also called: NEUTROPENIA, SEVERE CONGENITAL, 4, AUTOSOMAL RECESSIVE; G6PC3 Deficiency. Identifiers: Orphanet 331176, MedGen C2751630, MONDO:0012930, OMIM 612541.

Allele frequency attached by ClinVar (database versions not stated): gnomAD exomes 0.00002 and 0.00004; ExAC 0.00005.
gnomAD v4.1: 28 of 1,613,854 alleles (0.0017%); highest among the groups gnomAD compares: South Asian, 0.026%; no homozygotes.

Submissions (5):

Women's Health and Genetics/Laboratory Corporation of America, LabCorp
Classification: Pathogenic for Autosomal recessive severe congenital neutropenia due to G6PC3 deficiency. Last evaluated: 2025-04-28. Review status: criteria provided, single submitter. Criteria: LabCorp Variant Classification Summary - May 2015. Collection method: clinical testing. Allele origin: germline.
Comment: Variant summary: G6PC3 c.130C>T (p.Pro44Ser) results in a non-conservative amino acid change in the encoded protein sequence. Five of five in-silico tools predict a damaging effect of the variant on protein function. The variant allele was found at a frequency of 3.6e-05 in 250348 control chromosomes. c.130C>T has been observed in multiple individuals affected with Autosomal Recessive Severe Congenital Neutropenia Due To G6PC3 Deficiency (e.g. Banka_2011, Hayee_2011, Stary-Pedersen_2017). These data indicate that the variant is very likely to be associated with disease. At least one publication reports experimental evidence evaluating an impact on protein function. The most pronounced variant effect results in <10% of normal activity (Lin_2015). The following publications have been ascertained in the context of this evaluation (PMID: 21264919, 21385794, 25492228, 27577878).ClinVar contains an entry for this variant (Variation ID: 189781). Based on the evidence outlined above, the variant was classified as pathogenic.

Labcorp Genetics (formerly Invitae), Labcorp
Classification: Pathogenic for Autosomal recessive severe congenital neutropenia due to G6PC3 deficiency. Last evaluated: 2024-11-05. Review status: criteria provided, single submitter. Criteria: Invitae Variant Classification Sherloc (09022015). Collection method: clinical testing. Allele origin: germline.
Comment: This sequence change replaces proline, which is neutral and non-polar, with serine, which is neutral and polar, at codon 44 of the G6PC3 protein (p.Pro44Ser). This variant is present in population databases (rs775224457, gnomAD 0.03%). This missense change has been observed in individual(s) with G6PC3-related conditions (PMID: 21385794, 22469094, 27577878, 29163546). It has also been observed to segregate with disease in related individuals. ClinVar contains an entry for this variant (Variation ID: 189781). Invitae Evidence Modeling of protein sequence and biophysical properties (such as structural, functional, and spatial information, amino acid conservation, physicochemical variation, residue mobility, and thermodynamic stability) indicates that this missense variant is expected to disrupt G6PC3 protein function with a positive predictive value of 95%. Experimental studies have shown that this missense change affects G6PC3 function (PMID: 25492228). This variant disrupts the p.Pro44 amino acid residue in G6PC3. Other variant(s) that disrupt this residue have been determined to be pathogenic (PMID: 22050868, 25492228, 31321910, 32623377). This suggests that this residue is clinically significant, and that variants that disrupt this residue are likely to be disease-causing. For these reasons, this variant has been classified as Pathogenic.

CeGaT Center for Human Genetics Tuebingen
Classification: Pathogenic. Last evaluated: 2020-12-01. Review status: criteria provided, single submitter. Criteria: CeGaT Center For Human Genetics Tuebingen Variant Classification Criteria Version 2. Collection method: clinical testing. Allele origin: germline. Affected: yes. Observed: 1 variant allele.

Genetic Services Laboratory, University of Chicago
Classification: Pathogenic for Neutropenia, severe congenital 4, autosomal recessive. Last evaluated: 2016-05-03. Review status: criteria provided, single submitter. Criteria: ACMG Guidelines, 2015. Collection method: clinical testing. Allele origin: germline. Affected: yes.

GeneReviews
No classification provided. Condition: Autosomal recessive severe congenital neutropenia due to G6PC3 deficiency. Review status: no classification provided. Collection method: literature only. Allele origin: germline. Affected: yes. Not counted in ClinVar's aggregate classification.

Literature cited by the submitters: PubMed 27577878 (cited by Women's Health and Genetics/Laboratory Corporation of America, LabCorp and Labcorp Genetics (formerly Invitae), Labcorp); PubMed 25492228 (cited by Women's Health and Genetics/Laboratory Corporation of America, LabCorp and Labcorp Genetics (formerly Invitae), Labcorp); PubMed 21264919 (cited by Women's Health and Genetics/Laboratory Corporation of America, LabCorp); PubMed 21385794 (cited by Women's Health and Genetics/Laboratory Corporation of America, LabCorp and Labcorp Genetics (formerly Invitae), Labcorp); PubMed 22469094 (cited by Labcorp Genetics (formerly Invitae), Labcorp and GeneReviews); PubMed 29163546 (cited by Labcorp Genetics (formerly Invitae), Labcorp); PubMed 22050868 (cited by Labcorp Genetics (formerly Invitae), Labcorp); PubMed 31321910 (cited by Labcorp Genetics (formerly Invitae), Labcorp); PubMed 32623377 (cited by Labcorp Genetics (formerly Invitae), Labcorp); NCBI Bookshelf NBK285321 (cited by GeneReviews).